The following is an entry in ClinVar:

ClinVar aggregate classification (germline): Uncertain significance. Review status: criteria provided, multiple submitters, no conflicts (2 of 4 stars). 2 submissions from 2 submitters: Uncertain significance (2). Last evaluated 2025-07-30.

Allele frequency attached by ClinVar (database versions not stated): gnomAD exomes 0.00002; ExAC 0.00003; gnomAD 0.00003; TOPMed 0.00003.
gnomAD v4.1: 34 of 1,593,154 alleles (0.0021%); highest among the groups gnomAD compares: Admixed American, 0.021%; no homozygotes.

Submissions (2):

Labcorp Genetics (formerly Invitae), Labcorp
Classification: Uncertain significance. Last evaluated: 2025-07-30. Review status: criteria provided, single submitter. Criteria: Invitae Variant Classification Sherloc (09022015). Collection method: clinical testing. Allele origin: germline.
Comment: This sequence change replaces arginine, which is basic and polar, with tryptophan, which is neutral and slightly polar, at codon 1071 of the TAOK2 protein (p.Arg1071Trp). This variant is present in population databases (rs763535632, gnomAD 0.03%). This variant has not been reported in the literature in individuals affected with TAOK2-related conditions. ClinVar contains an entry for this variant (Variation ID: 1939867). An algorithm developed to predict the effect of missense changes on protein structure and function (PolyPhen-2) suggests that this variant is likely to be tolerated. In summary, the available evidence is currently insufficient to determine the role of this variant in disease. Therefore, it has been classified as a Variant of Uncertain Significance.

Ambry Genetics
Classification: Uncertain significance. Last evaluated: 2024-06-28. Review status: criteria provided, single submitter. Criteria: Ambry Variant Classification Scheme 2023. Collection method: clinical testing. Allele origin: germline.

NM_016151.4(TAOK2):c.3211C>T (p.Arg1071Trp)

Gene: TAOK2 (TAO kinase 2; plus strand). Cytogenetic location: 16p11.2.
Variant type: single nucleotide variant.
Coding change: c.3211C>T on transcript NM_016151.4 (MANE Select); coding-DNA position 3211, C replaced by T.
Protein change: p.Arg1071Trp; replaces arginine 1071 with tryptophan.
Molecular consequence: missense variant. On other transcripts: intron variant (1).
Genome position (GRCh38, 1-based): chr16:29,987,483, C>T. VCF-style: chr16-29987483-C-T. GRCh37 (hg19) VCF-style: chr16-29998804-C-T.
Other names: c.2872C>T, p.Arg958Trp (NM_001252043.2); c.2232+979C>T (NM_004783.4); c.3211C>T (NM_016151.2); short protein forms R958W, R1071W.
Identifiers: ClinVar variation 1939867 (VCV001939867.6), dbSNP rs763535632, ClinGen allele CA7998518.